The following is an entry in ClinVar:

ClinVar aggregate classification (germline): Uncertain significance (1 of 4 stars; one submission).

Submission:

GeneDx
Classification: Uncertain significance. Last evaluated: 2024-05-20. Review status: criteria provided, single submitter. Criteria: GeneDx Variant Classification Process June 2021. Collection method: clinical testing. Allele origin: germline. Affected: yes.
Comment: Not observed at significant frequency in large population cohorts (gnomAD); In silico analysis supports that this missense variant has a deleterious effect on protein structure/function; Has not been previously published as pathogenic or benign to our knowledge; This variant is associated with the following publications: (PMID: 18184292)

NM_000702.4(ATP1A2):c.2260T>C (p.Ser754Pro)

Gene: ATP1A2 (ATPase Na+/K+ transporting subunit alpha 2; plus strand). Cytogenetic location: 1q23.2.
Variant type: single nucleotide variant.
Coding change: c.2260T>C on transcript NM_000702.4 (MANE Select); coding-DNA position 2260, T replaced by C.
Protein change: p.Ser754Pro; replaces serine 754 with proline.
Molecular consequence: missense variant.
Genome position (GRCh38, 1-based): chr1:160,135,578, T>C. VCF-style: chr1-160135578-T-C. GRCh37 (hg19) VCF-style: chr1-160105368-T-C.
Other names: short protein forms S754P.
Identifiers: ClinVar variation 1202056 (VCV001202056.4), dbSNP rs2101995180, ClinGen allele CA343249544.